The following is an entry in ClinVar:

ClinVar aggregate classification (germline): Uncertain significance. Review status: criteria provided, multiple submitters, no conflicts (2 of 4 stars). 2 submissions from 2 submitters: Uncertain significance (2). Last evaluated 2025-12-16.

Conditions:
Inborn genetic diseases. Identifiers: MedGen C0950123, MeSH D030342.

Allele frequency attached by ClinVar (database versions not stated): gnomAD exomes 0.00001; ExAC 0.00003; TOPMed 0.00003; gnomAD 0.00004.
gnomAD v4.1: 25 of 1,612,448 alleles (0.0016%); highest among the groups gnomAD compares: Middle Eastern, 0.017%; no homozygotes.

Submissions (2):

Ambry Genetics
Classification: Uncertain significance for Inborn genetic diseases. Last evaluated: 2025-12-16. Review status: criteria provided, single submitter. Criteria: Ambry Variant Classification Scheme 2023. Collection method: clinical testing. Allele origin: germline.

Labcorp Genetics (formerly Invitae), Labcorp
Classification: Uncertain significance. Last evaluated: 2022-03-28. Review status: criteria provided, single submitter. Criteria: Invitae Variant Classification Sherloc (09022015). Collection method: clinical testing. Allele origin: germline.
Comment: This sequence change replaces glycine, which is neutral and non-polar, with arginine, which is basic and polar, at codon 149 of the COL13A1 protein (p.Gly149Arg). Algorithms developed to predict the effect of missense changes on protein structure and function (SIFT, PolyPhen-2, Align-GVGD) all suggest that this variant is likely to be disruptive. This variant is present in population databases (rs758070758, gnomAD 0.02%). This variant has not been reported in the literature in individuals affected with COL13A1-related conditions. Algorithms developed to predict the effect of sequence changes on RNA splicing suggest that this variant may disrupt the consensus splice site. In summary, the available evidence is currently insufficient to determine the role of this variant in disease. Therefore, it has been classified as a Variant of Uncertain Significance.

NM_001368882.1(COL13A1):c.472G>A (p.Gly158Arg)

Gene: COL13A1 (collagen type XIII alpha 1 chain; plus strand). Cytogenetic location: 10q22.1.
Variant type: single nucleotide variant.
Coding change: c.472G>A on transcript NM_001368882.1 (MANE Select); coding-DNA position 472, G replaced by A.
Protein change: p.Gly158Arg; replaces glycine 158 with arginine.
Molecular consequence: missense variant. On other transcripts: 5 prime UTR variant (1), intron variant (5).
Genome position (GRCh38, 1-based): chr10:69,880,512, G>A. VCF-style: chr10-69880512-G-A. GRCh37 (hg19) VCF-style: chr10-71640268-G-A.
Other names: c.445G>A (NM_001130103.1); c.445G>A, p.Gly149Arg (NM_001130103.2, NM_080800.4, NM_080801.4 and 1 more transcripts); c.472G>A, p.Gly158Arg (NM_001320951.2, NM_001368884.1); c.436G>A, p.Gly146Arg (NM_001368883.1, NM_001368885.1); c.-129G>A (NM_001368886.1); c.382G>A, p.Gly128Arg (NM_001368895.1); c.400-6944G>A (NM_080805.4, NM_001368897.1); c.373-6944G>A (NM_001368898.1, NM_080798.4, NM_001368896.1); short protein forms G149R, G146R, G158R, G128R.
Identifiers: ClinVar variation 2084764 (VCV002084764.5), dbSNP rs758070758, ClinGen allele CA5534178.